The following is an entry in ClinVar:

ClinVar aggregate classification (germline): Conflicting classifications of pathogenicity. Review status: criteria provided, conflicting classifications (1 of 4 stars). 3 submissions from 3 submitters: Uncertain significance (2); Likely benign (1). Last evaluated 2026-04-21.

Conditions:
Nemaline myopathy 2 (NEM2). Also called: Nemaline myopathy 2, autosomal recessive. Identifiers: MedGen C1850569, MONDO:0009725, OMIM 256030.

Allele frequency attached by ClinVar (database versions not stated): TOPMed 0.00008; ExAC 0.00009; 1000 Genomes Project 30x 0.00031; 1000 Genomes Project 0.00020; gnomAD exomes 0.00013; gnomAD 0.00007; ESP Exome Variant Server 0.00008.
gnomAD v4.1: 197 of 1,613,790 alleles (0.012%); highest among the groups gnomAD compares: Middle Eastern, 0.017%; no homozygotes.

Submissions (3):

GeneDx
Classification: Uncertain significance. Last evaluated: 2026-04-21. Review status: criteria provided, single submitter. Criteria: GeneDx Variant Classification Process June 2021. Collection method: clinical testing. Allele origin: germline.
Comment: Not observed at significant frequency in large population cohorts (gnomAD); In silico analysis supports that this missense variant has a deleterious effect on protein structure/function; Has not been previously published as pathogenic or benign to our knowledge

Labcorp Genetics (formerly Invitae), Labcorp
Classification: Likely benign for Nemaline myopathy 2. Last evaluated: 2025-12-03. Review status: criteria provided, single submitter. Criteria: Invitae Variant Classification Sherloc (09022015). Collection method: clinical testing. Allele origin: germline.

Revvity Omics, Revvity
Classification: Uncertain significance. Last evaluated: 2019-01-17. Review status: criteria provided, single submitter. Criteria: ACMG Guidelines, 2015. Collection method: clinical testing. Allele origin: germline.

NM_001164508.2(NEB):c.25027C>T (p.Arg8343Trp)

Genes: NEB (nebulin; minus strand), RIF1 (replication timing regulatory factor 1; plus strand). Cytogenetic location: 2q23.3.
Variant type: single nucleotide variant.
Coding change: c.25027C>T on transcript NM_001164508.2 (MANE Select); coding-DNA position 25027, C replaced by T.
Protein change: p.Arg8343Trp; replaces arginine 8343 with tryptophan.
Molecular consequence: missense variant.
Genome position (GRCh38, 1-based): chr2:151,492,128, G>A on the plus strand (C>T on the coding strand, the complement: NEB is on the minus strand). VCF-style: chr2-151492128-G-A. GRCh37 (hg19) VCF-style: chr2-152348642-G-A.
Other names: c.25027C>T, p.Arg8343Trp (NM_001164507.2); c.25132C>T, p.Arg8378Trp (NM_001271208.2); c.19459C>T, p.Arg6487Trp (NM_004543.5); short protein forms R6487W, R8378W, R8343W.
Identifiers: ClinVar variation 1954334 (VCV001954334.9), dbSNP rs374413679, ClinGen allele CA1905849.